The following is an entry in ClinVar:

NM_004239.4(TRIP11):c.5762C>T (p.Pro1921Leu)

Gene: TRIP11 (thyroid hormone receptor interactor 11; minus strand). Cytogenetic location: 14q32.12.
Variant type: single nucleotide variant.
Coding change: c.5762C>T on transcript NM_004239.4 (MANE Select); coding-DNA position 5762, C replaced by T.
Protein change: p.Pro1921Leu; replaces proline 1921 with leucine.
Molecular consequence: missense variant.
Genome position (GRCh38, 1-based): chr14:91,969,851, G>A on the plus strand (C>T on the coding strand, the complement: TRIP11 is on the minus strand). VCF-style: chr14-91969851-G-A. GRCh37 (hg19) VCF-style: chr14-92436195-G-A.
Other names: c.5759C>T, p.Pro1920Leu (NM_001321851.1); short protein forms P1920L, P1921L.
Identifiers: ClinVar variation 2733115 (VCV002733115.3), dbSNP rs368950450, ClinGen allele CA7313053.
Genomic context (GRCh38, chr14:91,969,851, plus strand): 5'-CCAGGTCCAAGTCCAGCTGGGTTAATAAGAGGTACAGCTGCCGAGCGAGGAGCCAAAAAC[G>A]GATTTACATCTGTTCTTCTACCAGACCTGGATTCTGCTGTATCTAAAGAATAAAATATGG-3'
Protein context (NP_004230.2, residues 1911-1931): SRSGRRTDVN[Pro1921Leu]FLAPRSAAVP

ClinVar aggregate classification (germline): Uncertain significance (1 of 4 stars; one submission).

Conditions:
Achondrogenesis, type IA (ACG1A). Identifiers: Orphanet 932, Orphanet 93299, MedGen C0265273, MONDO:0008701, OMIM 200600.

Allele frequency attached by ClinVar (database versions not stated): gnomAD 0.00002; ExAC 0.00003; TOPMed 0.00004; ESP Exome Variant Server 0.00008.
gnomAD v4.1: 22 of 1,613,950 alleles (0.0014%); highest among the groups gnomAD compares: Middle Eastern, 0.033%; no homozygotes.

Submission:

Labcorp Genetics (formerly Invitae), Labcorp
Classification: Uncertain significance for Achondrogenesis, type IA. Last evaluated: 2023-10-28. Review status: criteria provided, single submitter. Criteria: Invitae Variant Classification Sherloc (09022015). Collection method: clinical testing. Allele origin: germline.
Comment: This sequence change replaces proline, which is neutral and non-polar, with leucine, which is neutral and non-polar, at codon 1921 of the TRIP11 protein (p.Pro1921Leu). This variant is present in population databases (rs368950450, gnomAD 0.008%). This variant has not been reported in the literature in individuals affected with TRIP11-related conditions. Advanced modeling of protein sequence and biophysical properties (such as structural, functional, and spatial information, amino acid conservation, physicochemical variation, residue mobility, and thermodynamic stability) performed at Invitae indicates that this missense variant is not expected to disrupt TRIP11 protein function with a negative predictive value of 80%. In summary, the available evidence is currently insufficient to determine the role of this variant in disease. Therefore, it has been classified as a Variant of Uncertain Significance.